The following is an entry in ClinVar:

ClinVar aggregate classification (germline): Uncertain significance (1 of 4 stars; one submission).

Conditions:
Catecholaminergic polymorphic ventricular tachycardia 1. Also called: VENTRICULAR TACHYCARDIA, CATECHOLAMINERGIC POLYMORPHIC, 1, WITH OR WITHOUT ATRIAL DYSFUNCTION AND/OR DILATED CARDIOMYOPATHY; RYR2-Related Catecholaminergic Polymorphic Ventricular Tachycardia; VENTRICULAR TACHYCARDIA, STRESS-INDUCED POLYMORPHIC 1. Identifiers: Orphanet 3286, MedGen C1631597, MONDO:0011484, OMIM 604772.

Submission:

Labcorp Genetics (formerly Invitae), Labcorp
Classification: Uncertain significance for Catecholaminergic polymorphic ventricular tachycardia 1. Last evaluated: 2021-08-01. Review status: criteria provided, single submitter. Criteria: Invitae Variant Classification Sherloc (09022015). Collection method: clinical testing. Allele origin: germline.
Comment: This variant is an in-frame deletion of the genomic region encompassing exon(s) 4 of the RYR2 gene. It preserves the integrity of the reading frame. This variant has not been reported in the literature in individuals with RYR2-related conditions. Experimental studies and prediction algorithms are not available or were not evaluated, and the functional significance of this variant is currently unknown. In summary, the available evidence is currently insufficient to determine the role of this variant in disease. Therefore, it has been classified as a Variant of Uncertain Significance.

NC_000001.10:g.(?_237519245)_(237519305_?)del

Gene: RYR2 (ryanodine receptor 2; plus strand). Cytogenetic location: 1q43.
Variant type: Deletion.
Identifiers: ClinVar variation 2423532 (VCV002423532.3).